The following is an entry in ClinVar:

NM_018238.4(AGK):c.589-20G>T

Gene: AGK (acylglycerol kinase; plus strand). Cytogenetic location: 7q34.
Variant type: single nucleotide variant.
Coding change: c.589-20G>T on transcript NM_018238.4 (MANE Select); 20 bases into the intron before coding-DNA position 589, G replaced by T.
Molecular consequence: intron variant.
Genome position (GRCh38, 1-based): chr7:141,633,881, G>T. VCF-style: chr7-141633881-G-T. GRCh37 (hg19) VCF-style: chr7-141333681-G-T.
Other names: c.589-20G>T (NM_001364948.3).
Identifiers: ClinVar variation 511478 (VCV000511478.4), dbSNP rs751876434, ClinGen allele CA4517514.

ClinVar aggregate classification (germline): Likely benign. Review status: criteria provided, multiple submitters, no conflicts (2 of 4 stars). 2 submissions from 2 submitters: Likely benign (2). Last evaluated 2025-08-16.

Conditions:
Sengers syndrome. Also called: MITOCHONDRIAL DNA DEPLETION SYNDROME 10 (CARDIOMYOPATHIC TYPE); Cardiomyopathy and cataract. Identifiers: Orphanet 1369, MedGen C1859317, MONDO:0008922, OMIM 212350.
Cataract 38. Also called: Cataract 38, autosomal recessive; Cataract, autosomal recessive congenital 5. Identifiers: Orphanet 91492, MedGen C3553494, MONDO:0013859, OMIM 614691.

Allele frequency attached by ClinVar (database versions not stated): gnomAD exomes 0.00001 and 0.00003; ExAC 0.00002; TOPMed 0.00002; gnomAD 0.00003.
gnomAD v4.1: 16 of 1,599,290 alleles (0.001%); highest among the groups gnomAD compares: Admixed American, 0.018%; no homozygotes.

Submissions (2):

Labcorp Genetics (formerly Invitae), Labcorp
Classification: Likely benign for Sengers syndrome; Cataract 38. Last evaluated: 2025-08-16. Review status: criteria provided, single submitter. Criteria: Invitae Variant Classification Sherloc (09022015). Collection method: clinical testing. Allele origin: germline.

GeneDx
Classification: Likely benign. Last evaluated: 2017-08-31. Review status: criteria provided, single submitter. Criteria: GeneDx Variant Classification (06012015). Collection method: clinical testing. Allele origin: germline. Affected: yes.
Comment: This variant is considered likely benign or benign based on one or more of the following criteria: it is a conservative change, it occurs at a poorly conserved position in the protein, it is predicted to be benign by multiple in silico algorithms, and/or has population frequency not consistent with disease.